The following is an entry in ClinVar:

ClinVar aggregate classification (germline): Pathogenic (1 of 4 stars; one submission).

Conditions:
Episodic ataxia type 2 (EA2). Also called: ATAXIA, EPISODIC, WITH NYSTAGMUS; ATAXIA, FAMILIAL PAROXYSMAL; ACETAZOLAMIDE-RESPONSIVE HEREDITARY PAROXYSMAL CEREBELLAR ATAXIA; CEREBELLAR ATAXIA, PAROXYSMAL, ACETAZOLAMIDE-RESPONSIVE; CEREBELLOPATHY, HEREDITARY PAROXYSMAL; EPISODIC ATAXIA, NYSTAGMUS-ASSOCIATED. Identifiers: Orphanet 97, MedGen C1720416, MONDO:0007163, OMIM 108500.
Developmental and epileptic encephalopathy, 42 (DEE42A). Also called: Epileptic encephalopathy, early infantile, 42; DEVELOPMENTAL AND EPILEPTIC ENCEPHALOPATHY 42A; EPILEPTIC ENCEPHALOPATHY, EARLY INFANTILE, 42A. Identifiers: MedGen C4310716, MONDO:0014917, OMIM 617106.

Submission:

Department of Neurology, Zibo Changguo Hospital
Classification: Pathogenic for Developmental and epileptic encephalopathy, 42; Episodic ataxia type 2. Last evaluated: 2025-01-08. Review status: criteria provided, single submitter. Criteria: ACMG Guidelines, 2015. Collection method: clinical testing. Allele origin: de novo. Inheritance: Autosomal dominant inheritance. Affected: yes.
Comment: PVS1, PM6, PM2_Supporting

NM_001127222.2(CACNA1A):c.5749C>T (p.Gln1917Ter)

Gene: CACNA1A (calcium voltage-gated channel subunit alpha1 A; minus strand). Cytogenetic location: 19p13.13.
Variant type: single nucleotide variant.
Coding change: c.5749C>T on transcript NM_001127222.2 (MANE Select); coding-DNA position 5749, C replaced by T.
Protein change: p.Gln1917Ter; replaces glutamine 1917 with a stop codon.
Molecular consequence: nonsense.
Genome position (GRCh38, 1-based): chr19:13,214,591, G>A on the plus strand (C>T on the coding strand, the complement: CACNA1A is on the minus strand). VCF-style: chr19-13214591-G-A. GRCh37 (hg19) VCF-style: chr19-13325405-G-A.
Other names: c.5767C>T, p.Gln1923Ter (NM_000068.4, NM_023035.3); c.5752C>T, p.Gln1918Ter (NM_001127221.2); c.5758C>T, p.Gln1920Ter (NM_001174080.2); short protein forms Q1917*, Q1918*, Q1920*, Q1923*.
Identifiers: ClinVar variation 3770206 (VCV003770206.1).